The following is an entry in ClinVar:

NM_018417.6(ADCY10):c.3565C>T (p.Arg1189Trp)

Gene: ADCY10 (adenylate cyclase 10; minus strand). Cytogenetic location: 1q24.2.
Variant type: single nucleotide variant.
Coding change: c.3565C>T on transcript NM_018417.6 (MANE Select); coding-DNA position 3565, C replaced by T.
Protein change: p.Arg1189Trp; replaces arginine 1189 with tryptophan.
Molecular consequence: missense variant.
Genome position (GRCh38, 1-based): chr1:167,833,015, G>A on the plus strand (C>T on the coding strand, the complement: ADCY10 is on the minus strand). VCF-style: chr1-167833015-G-A. GRCh37 (hg19) VCF-style: chr1-167802253-G-A.
Other names: c.3106C>T, p.Arg1036Trp (NM_001167749.3); c.3289C>T, p.Arg1097Trp (NM_001297772.2); short protein forms R1036W, R1097W, R1189W.
Identifiers: ClinVar variation 2059236 (VCV002059236.5), dbSNP rs141732535, ClinGen allele CA1227322.
Genomic context (GRCh38, chr1:167,833,015, plus strand): 5'-AACAGTCTGCTCTCCCCAGCTCCTTCCCTTACCCTGGAGGTGGGCTCTCTTGGGCCTGCC[G>A]ATTCACATAATGAAAGTGTCTGTTTTTCTCGACATGGATATGGAGAAACAAGGAGATTAA-3'
Protein context (NP_060887.2, residues 1179-1199): EKNRHFHYVN[Arg1189Trp]QAQESPPPGK

ClinVar aggregate classification (germline): Conflicting classifications of pathogenicity. Review status: criteria provided, conflicting classifications (1 of 4 stars). 2 submissions from 2 submitters: Uncertain significance (1); Likely benign (1). Last evaluated 2026-08-01.

Allele frequency attached by ClinVar (database versions not stated): 1000 Genomes Project 30x 0.00016.
gnomAD v4.1: 19 of 1,614,006 alleles (0.0012%); highest among the groups gnomAD compares: East Asian, 0.02%; no homozygotes.

Submissions (2):

CeGaT Center for Human Genetics Tuebingen
Classification: Likely benign. Last evaluated: 2026-08-01. Review status: criteria provided, single submitter. Criteria: CeGaT Center For Human Genetics Tuebingen Variant Classification Criteria Version 2. Collection method: clinical testing. Allele origin: germline. Affected: yes. Observed: 1 variant allele.
Comment: ADCY10: BP4

Labcorp Genetics (formerly Invitae), Labcorp
Classification: Uncertain significance. Last evaluated: 2024-06-19. Review status: criteria provided, single submitter. Criteria: Invitae Variant Classification Sherloc (09022015). Collection method: clinical testing. Allele origin: germline.
Comment: This sequence change replaces arginine, which is basic and polar, with tryptophan, which is neutral and slightly polar, at codon 1189 of the ADCY10 protein (p.Arg1189Trp). This variant is present in population databases (rs141732535, gnomAD 0.03%). This variant has not been reported in the literature in individuals affected with ADCY10-related conditions. ClinVar contains an entry for this variant (Variation ID: 2059236). An algorithm developed to predict the effect of missense changes on protein structure and function (PolyPhen-2) suggests that this variant is likely to be tolerated. In summary, the available evidence is currently insufficient to determine the role of this variant in disease. Therefore, it has been classified as a Variant of Uncertain Significance.